The following is an entry in ClinVar:

ClinVar aggregate classification (germline): Pathogenic (1 of 4 stars; one submission).

Conditions:
Hereditary diffuse gastric adenocarcinoma (HDGC). Also called: DIFFUSE GASTRIC AND LOBULAR BREAST CANCER SYNDROME. Identifiers: Orphanet 26106, MedGen C1708349, MONDO:0007648, OMIM 137215.

Submission:

Myriad Genetics, Inc.
Classification: Pathogenic for Hereditary diffuse gastric adenocarcinoma. Last evaluated: 2023-06-12. Review status: criteria provided, single submitter. Criteria: Myriad Autosomal Dominant, Autosomal Recessive and X-Linked Classification Criteria (2023). Collection method: clinical testing. Allele origin: unknown.
Comment: This variant is considered pathogenic. This variant creates a frameshift predicted to result in premature protein truncation.

NM_004360.5(CDH1):c.1062dup (p.Leu355fs)

Gene: CDH1 (cadherin 1; plus strand). Cytogenetic location: 16q22.1.
Variant type: Duplication.
Coding change: c.1062dup on transcript NM_004360.5 (MANE Select); coding-DNA position 1062, one base duplicated (G; older notation c.1062dupG).
Protein change: p.Leu355fs; shifts the reading frame from leucine 355.
Molecular consequence: frameshift variant. On other transcripts: 5 prime UTR variant (2).
Genome position (GRCh38, 1-based): chr16:68,812,188, G duplicated; the last of 4 consecutive G bases (chr16:68,812,185-68,812,188); duplicating any one gives the same sequence. VCF-style (leftmost placement, unchanged base first): chr16-68812184-A-AG. GRCh37 (hg19) VCF-style: chr16-68846087-A-AG.
Other names: c.1062dup, p.Leu355fs (NM_001317184.2); c.-554dup (NM_001317185.2); c.-758dup (NM_001317186.2); short protein forms L355fs.
Identifiers: ClinVar variation 2583285 (VCV002583285.2), dbSNP rs2543924211, ClinGen allele CA2582342572.
Genomic context (GRCh38, chr16:68,812,184, plus strand): 5'-TCTCTCTGCAGAGTTTCCCTACGTATACCCTGGTGGTTCAAGCTGCTGACCTTCAAGGTG[A>AG]GGGGTTAAGCACAACAGCAACAGCTGTGATCACAGTCACTGACACCAACGATAATCCTCC-3'